The following is an entry in ClinVar:

NM_002730.4(PRKACA):c.109-6C>T

Gene: PRKACA (protein kinase cAMP-activated catalytic subunit alpha; minus strand). Cytogenetic location: 19p13.12.
Variant type: single nucleotide variant.
Coding change: c.109-6C>T on transcript NM_002730.4 (MANE Select); 6 bases into the intron before coding-DNA position 109, C replaced by T.
Molecular consequence: intron variant.
Genome position (GRCh38, 1-based): chr19:14,106,894, G>A on the plus strand (C>T on the coding strand, the complement: PRKACA is on the minus strand). VCF-style: chr19-14106894-G-A. GRCh37 (hg19) VCF-style: chr19-14217706-G-A.
Other names: c.85-6C>T (NM_207518.3); c.337-6C>T (NM_001304349.2).
Identifiers: ClinVar variation 733752 (VCV000733752.28), dbSNP rs74735707, ClinGen allele CA9249450.

ClinVar aggregate classification (germline): Benign/Likely benign. Review status: criteria provided, multiple submitters, no conflicts (2 of 4 stars). 2 submissions from 2 submitters: Benign (1); Likely benign (1). Last evaluated 2022-09-01.

Allele frequency attached by ClinVar (database versions not stated): 1000 Genomes Project 30x 0.00078; TOPMed 0.00095; 1000 Genomes Project 0.00100; gnomAD 0.00100 and 0.00104; gnomAD exomes 0.00106 and 0.00153; ExAC 0.00117; ESP Exome Variant Server 0.00154.
gnomAD v4.1: 2,371 of 1,614,138 alleles (0.15%); highest among the groups gnomAD compares: Non-Finnish European, 0.18%; 6 homozygotes.

Submissions (2):

CeGaT Center for Human Genetics Tuebingen
Classification: Benign. Last evaluated: 2022-09-01. Review status: criteria provided, single submitter. Criteria: CeGaT Center For Human Genetics Tuebingen Variant Classification Criteria Version 2. Collection method: clinical testing. Allele origin: germline. Affected: yes. Observed: 1 variant allele.
Comment: PRKACA: BS1, BS2

Labcorp Genetics (formerly Invitae), Labcorp
Classification: Likely benign. Last evaluated: 2019-12-31. Review status: criteria provided, single submitter. Criteria: Invitae Variant Classification Sherloc (09022015). Collection method: clinical testing. Allele origin: germline.